The following is an entry in ClinVar:

NM_001127222.2(CACNA1A):c.6323G>A (p.Arg2108His)

Gene: CACNA1A (calcium voltage-gated channel subunit alpha1 A; minus strand). Cytogenetic location: 19p13.13.
Variant type: single nucleotide variant.
Coding change: c.6323G>A on transcript NM_001127222.2 (MANE Select); coding-DNA position 6323, G replaced by A.
Protein change: p.Arg2108His; replaces arginine 2108 with histidine.
Molecular consequence: missense variant.
Genome position (GRCh38, 1-based): chr19:13,210,633, C>T on the plus strand (G>A on the coding strand, the complement: CACNA1A is on the minus strand). VCF-style: chr19-13210633-C-T. GRCh37 (hg19) VCF-style: chr19-13321447-C-T.
Other names: c.6341G>A, p.Arg2114His (NM_000068.4, NM_023035.3); c.6326G>A, p.Arg2109His (NM_001127221.2); c.6332G>A, p.Arg2111His (NM_001174080.2); short protein forms R2108H, R2109H, R2111H, R2114H.
Identifiers: ClinVar variation 1305126 (VCV001305126.7), dbSNP rs867865729, ClinGen allele CA404331314.

ClinVar aggregate classification (germline): Uncertain significance. Review status: criteria provided, multiple submitters, no conflicts (2 of 4 stars). 3 submissions from 3 submitters: Uncertain significance (3). Last evaluated 2024-08-16.

Conditions:
Episodic ataxia type 2 (EA2). Also called: ATAXIA, EPISODIC, WITH NYSTAGMUS; ATAXIA, FAMILIAL PAROXYSMAL; CEREBELLAR ATAXIA, PAROXYSMAL, ACETAZOLAMIDE-RESPONSIVE; CEREBELLOPATHY, HEREDITARY PAROXYSMAL; EPISODIC ATAXIA, NYSTAGMUS-ASSOCIATED; ACETAZOLAMIDE-RESPONSIVE HEREDITARY PAROXYSMAL CEREBELLAR ATAXIA. Identifiers: Orphanet 97, MedGen C1720416, MONDO:0007163, OMIM 108500.
Developmental and epileptic encephalopathy, 42 (DEE42A). Also called: Epileptic encephalopathy, early infantile, 42; DEVELOPMENTAL AND EPILEPTIC ENCEPHALOPATHY 42A; EPILEPTIC ENCEPHALOPATHY, EARLY INFANTILE, 42A. Identifiers: MedGen C4310716, MONDO:0014917, OMIM 617106.

gnomAD v4.1: 11 of 1,564,986 alleles (0.0007%); highest among the groups gnomAD compares: Non-Finnish European, 0.00086%; no homozygotes.

Submissions (3):

Labcorp Genetics (formerly Invitae), Labcorp
Classification: Uncertain significance for Developmental and epileptic encephalopathy, 42; Episodic ataxia type 2. Last evaluated: 2024-08-16. Review status: criteria provided, single submitter. Criteria: Invitae Variant Classification Sherloc (09022015). Collection method: clinical testing. Allele origin: germline.
Comment: This sequence change replaces arginine, which is basic and polar, with histidine, which is basic and polar, at codon 2109 of the CACNA1A protein (p.Arg2109His). This variant is not present in population databases (gnomAD no frequency). This variant has not been reported in the literature in individuals affected with CACNA1A-related conditions. ClinVar contains an entry for this variant (Variation ID: 1305126). Invitae Evidence Modeling of protein sequence and biophysical properties (such as structural, functional, and spatial information, amino acid conservation, physicochemical variation, residue mobility, and thermodynamic stability) indicates that this missense variant is not expected to disrupt CACNA1A protein function with a negative predictive value of 95%. In summary, the available evidence is currently insufficient to determine the role of this variant in disease. Therefore, it has been classified as a Variant of Uncertain Significance.

GeneDx
Classification: Uncertain significance. Last evaluated: 2019-04-12. Review status: criteria provided, single submitter. Criteria: GeneDx Variant Classification Process June 2021. Collection method: clinical testing. Allele origin: germline. Affected: yes.
Comment: Not observed in large population cohorts (Lek et al., 2016); In silico analysis, which includes protein predictors and evolutionary conservation, supports that this variant does not alter protein structure/function; Has not been previously published as pathogenic or benign to our knowledge

Breakthrough Genomics
Classification: Uncertain significance. Review status: criteria provided, single submitter. Criteria: ACMG Guidelines, 2015. Collection method: not provided. Allele origin: germline. Inheritance: Autosomal dominant inheritance. Affected: yes.